The following is an entry in ClinVar:

ClinVar aggregate classification (germline): Uncertain significance (1 of 4 stars; one submission).

Allele frequency attached by ClinVar (database versions not stated): TOPMed below 0.00001.
gnomAD v4.1: 6 of 1,523,896 alleles (0.00039%); highest among the groups gnomAD compares: African/African-American, 0.0028%; no homozygotes.

Submission:

Labcorp Genetics (formerly Invitae), Labcorp
Classification: Uncertain significance. Last evaluated: 2025-07-08. Review status: criteria provided, single submitter. Criteria: Invitae Variant Classification Sherloc (09022015). Collection method: clinical testing. Allele origin: germline.
Comment: This sequence change replaces alanine, which is neutral and non-polar, with valine, which is neutral and non-polar, at codon 309 of the CDK13 protein (p.Ala309Val). The frequency data for this variant in the population databases is considered unreliable, as metrics indicate poor data quality at this position in the gnomAD database. This variant has not been reported in the literature in individuals affected with CDK13-related conditions. ClinVar contains an entry for this variant (Variation ID: 2797826). Invitae Evidence Modeling of protein sequence and biophysical properties (such as structural, functional, and spatial information, amino acid conservation, physicochemical variation, residue mobility, and thermodynamic stability) has been performed for this missense variant. However, the output from this modeling did not meet the statistical confidence thresholds required to predict the impact of this variant on CDK13 protein function. In summary, the available evidence is currently insufficient to determine the role of this variant in disease. Therefore, it has been classified as a Variant of Uncertain Significance.

NM_003718.5(CDK13):c.926C>T (p.Ala309Val)

Gene: CDK13 (cyclin dependent kinase 13; plus strand). Cytogenetic location: 7p14.1.
Variant type: single nucleotide variant.
Coding change: c.926C>T on transcript NM_003718.5 (MANE Select); coding-DNA position 926, C replaced by T.
Protein change: p.Ala309Val; replaces alanine 309 with valine.
Molecular consequence: missense variant.
Genome position (GRCh38, 1-based): chr7:39,951,567, C>T. VCF-style: chr7-39951567-C-T. GRCh37 (hg19) VCF-style: chr7-39991166-C-T.
Other names: c.926C>T, p.Ala309Val (NM_031267.4); short protein forms A309V.
Identifiers: ClinVar variation 2797826 (VCV002797826.3), dbSNP rs746519649, ClinGen allele CA4228363.